The following is an entry in ClinVar:

ClinVar aggregate classification (germline): Uncertain significance (1 of 4 stars; one submission).

Submission:

Labcorp Genetics (formerly Invitae), Labcorp
Classification: Uncertain significance. Last evaluated: 2021-07-20. Review status: criteria provided, single submitter. Criteria: Invitae Variant Classification Sherloc (09022015). Collection method: clinical testing. Allele origin: germline.
Comment: In summary, the available evidence is currently insufficient to determine the role of this variant in disease. Therefore, it has been classified as a Variant of Uncertain Significance. Algorithms developed to predict the effect of sequence changes on RNA splicing suggest that this variant may disrupt the consensus splice site. This variant has not been reported in the literature in individuals affected with COL11A2-related conditions. This variant is not present in population databases (ExAC no frequency). This sequence change falls in intron 8 of the COL11A2 gene. It does not directly change the encoded amino acid sequence of the COL11A2 protein.

NM_080680.3(COL11A2):c.1120-10T>G

Gene: COL11A2 (collagen type XI alpha 2 chain; minus strand). Cytogenetic location: 6p21.32.
Variant type: single nucleotide variant.
Coding change: c.1120-10T>G on transcript NM_080680.3 (MANE Select); 10 bases into the intron before coding-DNA position 1120, T replaced by G.
Molecular consequence: intron variant.
Genome position (GRCh38, 1-based): chr6:33,181,180, A>C on the plus strand (T>G on the coding strand, the complement: COL11A2 is on the minus strand). VCF-style: chr6-33181180-A-C. GRCh37 (hg19) VCF-style: chr6-33148957-A-C.
Other names: c.799-10T>G (NM_080679.3); c.862-10T>G (NM_080681.3).
Identifiers: ClinVar variation 1427984 (VCV001427984.8), dbSNP rs773140106, ClinGen allele CA2573140206.
Genomic context (GRCh38, chr6:33,181,180, plus strand): 5'-CACTGCAGGCTCTCCTTTCTCTCCCTTCAGCCCTCGGGGTCCATGGGCAGCCTGAAGGAG[A>C]CACACATGTAGCCCCCAGTGGGGCCCGTGAGCAGCCAGGACACTAGGCCTTTCTCCATCT-3'